The following is an entry in ClinVar:

NM_213599.3(ANO5):c.1495G>A (p.Ala499Thr)

Gene: ANO5 (anoctamin 5; plus strand). Cytogenetic location: 11p14.3.
Variant type: single nucleotide variant.
Coding change: c.1495G>A on transcript NM_213599.3 (MANE Select); coding-DNA position 1495, G replaced by A.
Protein change: p.Ala499Thr; replaces alanine 499 with threonine.
Molecular consequence: missense variant.
Genome position (GRCh38, 1-based): chr11:22,259,606, G>A. VCF-style: chr11-22259606-G-A. GRCh37 (hg19) VCF-style: chr11-22281152-G-A.
Other names: c.1492G>A, p.Ala498Thr (NM_001142649.2); short protein forms A499T, A498T.
Identifiers: ClinVar variation 290933 (VCV000290933.6), dbSNP rs746548151, ClinGen allele CA10606949.

ClinVar aggregate classification (germline): Uncertain significance. Review status: criteria provided, multiple submitters, no conflicts (2 of 4 stars). 2 submissions from 2 submitters: Uncertain significance (2). Last evaluated 2025-02-12.

Conditions:
Autosomal recessive limb-girdle muscular dystrophy type 2L (LGMDR12). Also called: Limb-girdle muscular dystrophy, type 2L; Limb-Girdle Muscular Dystrophy R12 Anoctamin-5-Related (LGMD-R12); MUSCULAR DYSTROPHY, LIMB-GIRDLE, AUTOSOMAL RECESSIVE 12. Identifiers: Orphanet 206549, MedGen C1969785, MONDO:0012652, OMIM 611307.
Gnathodiaphyseal dysplasia (GDD). Also called: GNATHODIAPHYSEAL SCLEROSIS; OSTEOGENESIS IMPERFECTA WITH UNUSUAL SKELETAL LESIONS. Identifiers: Orphanet 53697, MedGen C1833736, MONDO:0008151, OMIM 166260.

Allele frequency attached by ClinVar (database versions not stated): gnomAD 0.00003.

Submissions (2):

Labcorp Genetics (formerly Invitae), Labcorp
Classification: Uncertain significance for Autosomal recessive limb-girdle muscular dystrophy type 2L; Gnathodiaphyseal dysplasia. Last evaluated: 2025-02-12. Review status: criteria provided, single submitter. Criteria: Invitae Variant Classification Sherloc (09022015). Collection method: clinical testing. Allele origin: germline.
Comment: This sequence change replaces alanine, which is neutral and non-polar, with threonine, which is neutral and polar, at codon 499 of the ANO5 protein (p.Ala499Thr). This variant is not present in population databases (gnomAD no frequency). This variant has not been reported in the literature in individuals affected with ANO5-related conditions. ClinVar contains an entry for this variant (Variation ID: 290933). Invitae Evidence Modeling of protein sequence and biophysical properties (such as structural, functional, and spatial information, amino acid conservation, physicochemical variation, residue mobility, and thermodynamic stability) indicates that this missense variant is not expected to disrupt ANO5 protein function with a negative predictive value of 80%. In summary, the available evidence is currently insufficient to determine the role of this variant in disease. Therefore, it has been classified as a Variant of Uncertain Significance.

Eurofins Ntd Llc (ga)
Classification: Uncertain significance. Last evaluated: 2016-08-26. Review status: criteria provided, single submitter. Criteria: EGL Classification Definitions 2015. Collection method: clinical testing. Allele origin: germline. Observed: 1 variant allele, 1 heterozygote.